The following is an entry in ClinVar:

ClinVar aggregate classification (germline): Pathogenic. Review status: no assertion criteria provided (0 of 4 stars). 2 submissions from 2 submitters: Pathogenic (2). Last evaluated 2019-06-14.

Conditions:
Keipert syndrome (KPTS). Identifiers: Orphanet 2662, MedGen C1850627, MONDO:0009720, OMIM 301026.

Submissions (2):

OMIM
Classification: Pathogenic for KEIPERT SYNDROME. Last evaluated: 2019-06-14. Review status: no assertion criteria provided. Collection method: literature only. Allele origin: germline.

Neurogenetics Research; Murdoch Childrens Research Institute
Classification: Pathogenic for Keipert syndrome. Last evaluated: 2018-02-01. Review status: no assertion criteria provided. Collection method: research. Allele origin: germline. Affected: yes.
Comment: Pathogenic variants in GPC4 cause Keipert syndrome (nasodigitoacoustic syndrome)

Literature cited by the submitters: PubMed 30982611 (cited by OMIM).

NM_001448.3(GPC4):c.316del (p.Asp106fs)

Gene: GPC4 (glypican 4; minus strand). Cytogenetic location: Xq26.2.
Variant type: Deletion.
Coding change: c.316del on transcript NM_001448.3 (MANE Select); coding-DNA position 316, one base deleted (G; older notation c.316delG).
Protein change: p.Asp106fs; shifts the reading frame from aspartic acid 106.
Molecular consequence: frameshift variant.
Genome position (GRCh38, 1-based): chrX:133,339,186, C deleted on the plus strand (G on the coding strand, the reverse complement: GPC4 is on the minus strand). VCF-style (leftmost placement, unchanged base first): chrX-133339185-TC-T. GRCh37 (hg19) VCF-style: chrX-132473213-TC-T.
Other names: short protein forms D106fs.
Identifiers: ClinVar variation 547178 (VCV000547178.3), dbSNP rs1556028269, ClinGen allele CA658824261.